The following is an entry in ClinVar:

ClinVar aggregate classification (germline): Uncertain significance. Review status: criteria provided, single submitter (1 of 4 stars). 2 submissions from 2 submitters: Uncertain significance (1). 1 of the submissions does not count toward it. Last evaluated 2022-09-27.

Conditions:
Nephronophthisis. Also called: Juvenile Nephronophthisis. Identifiers: Orphanet 655, MedGen C0687120, MONDO:0019005, HP:0000090.
NPHP4-related disorder. Also called: NPHP4-related condition; NPHP4-related disorders. Identifiers: MedGen CN239384.

Allele frequency attached by ClinVar (database versions not stated): 1000 Genomes Project 30x 0.00016; ExAC 0.00019; 1000 Genomes Project 0.00020.
gnomAD v4.1: 78 of 1,606,708 alleles (0.0049%); highest among the groups gnomAD compares: South Asian, 0.079%; 2 homozygotes.

Submissions (2):

Labcorp Genetics (formerly Invitae), Labcorp
Classification: Uncertain significance for Nephronophthisis. Last evaluated: 2022-09-27. Review status: criteria provided, single submitter. Criteria: Invitae Variant Classification Sherloc (09022015). Collection method: clinical testing. Allele origin: germline.
Comment: Advanced modeling of protein sequence and biophysical properties (such as structural, functional, and spatial information, amino acid conservation, physicochemical variation, residue mobility, and thermodynamic stability) performed at Invitae indicates that this missense variant is not expected to disrupt NPHP4 protein function. ClinVar contains an entry for this variant (Variation ID: 1407587). This variant has not been reported in the literature in individuals affected with NPHP4-related conditions. This variant is present in population databases (rs561876203, gnomAD 0.07%). This sequence change replaces valine, which is neutral and non-polar, with leucine, which is neutral and non-polar, at codon 90 of the NPHP4 protein (p.Val90Leu). In summary, the available evidence is currently insufficient to determine the role of this variant in disease. Therefore, it has been classified as a Variant of Uncertain Significance.

PreventionGenetics, part of Exact Sciences
Classification: Uncertain significance for NPHP4-related condition. Last evaluated: 2024-03-09. Review status: no assertion criteria provided. Collection method: clinical testing. Allele origin: germline. Not counted in ClinVar's aggregate classification.
Comment: The NPHP4 c.268G>C variant is predicted to result in the amino acid substitution p.Val90Leu. To our knowledge, this variant has not been reported in the literature. This variant is reported in 0.072% of alleles in individuals of South Asian descent in gnomAD. At this time, the clinical significance of this variant is uncertain due to the absence of conclusive functional and genetic evidence.

NM_015102.5(NPHP4):c.268G>C (p.Val90Leu)

Gene: NPHP4 (nephrocystin 4; minus strand). Cytogenetic location: 1p36.31.
Variant type: single nucleotide variant.
Coding change: c.268G>C on transcript NM_015102.5 (MANE Select); coding-DNA position 268, G replaced by C.
Protein change: p.Val90Leu; replaces valine 90 with leucine.
Molecular consequence: missense variant. On other transcripts: 5 prime UTR variant (1), non-coding transcript variant (1), intron variant (1).
Genome position (GRCh38, 1-based): chr1:5,978,281, C>G on the plus strand (G>C on the coding strand, the complement: NPHP4 is on the minus strand). VCF-style: chr1-5978281-C-G. GRCh37 (hg19) VCF-style: chr1-6038341-C-G.
Other names: c.268G>C (NM_015102.4); c.-962G>C (NM_001291593.2); c.-1087-9022G>C (NM_001291594.2); short protein forms V90L.
Identifiers: ClinVar variation 1407587 (VCV001407587.7), dbSNP rs561876203, ClinGen allele CA554890.
Genomic context (GRCh38, chr1:5,978,281, plus strand): 5'-ACACACCCTCCGCCTTGGAGCAGCCCCTGCCACCATCACCAGGGCCCACCTCATTAAAGA[C>G]GATCCTGGACGGCGGTCTCTTCGTCGGCTTCACTGTGGTTTTCCACGTCCTCCCAAAGAA-3'
Protein context (NP_055917.1, residues 80-100): KPTKRPPSRI[Val90Leu]FNEPLYFHTS